The following is an entry in ClinVar:

NM_006421.5(ARFGEF1):c.599A>C (p.Gln200Pro)

Gene: ARFGEF1 (ARF guanine nucleotide exchange factor 1; minus strand). Cytogenetic location: 8q13.2.
Variant type: single nucleotide variant.
Coding change: c.599A>C on transcript NM_006421.5 (MANE Select); coding-DNA position 599, A replaced by C.
Protein change: p.Gln200Pro; replaces glutamine 200 with proline.
Molecular consequence: missense variant. On other transcripts: 5 prime UTR variant (4), non-coding transcript variant (1).
Genome position (GRCh38, 1-based): chr8:67,296,471, T>G on the plus strand (A>C on the coding strand, the complement: ARFGEF1 is on the minus strand). VCF-style: chr8-67296471-T-G. GRCh37 (hg19) VCF-style: chr8-68208706-T-G.
Other names: c.599A>C, p.Gln200Pro (NM_001413184.1, NM_001413185.1, NM_001413186.1 and 7 more transcripts); c.-2A>C (NM_001413188.1, NM_001413193.1, NM_001413197.1); c.-517A>C (NM_001413196.1); short protein forms Q200P.
Identifiers: ClinVar variation 3252469 (VCV003252469.2), dbSNP rs2491895026.
Genomic context (GRCh38, chr8:67,296,471, plus strand): 5'-TCTCTTCTTAAAATACTTACTGCTTGGTTTTCCATGCGTGCAAAGATAACATTTAGCATC[T>G]GAGTGAGAGTAGCTTTGGCTGTTGTCTGATTGATGAGATTTTTGCTTGCTAAGTAGATAT-3'
Protein context (NP_006412.2, residues 190-210): NQTTAKATLT[Gln200Pro]MLNVIFARME

ClinVar aggregate classification (germline): Uncertain significance (1 of 4 stars; one submission).

Submission:

GeneDx
Classification: Uncertain significance. Last evaluated: 2026-03-30. Review status: criteria provided, single submitter. Criteria: GeneDx Variant Classification Process June 2021. Collection method: clinical testing. Allele origin: germline.
Comment: Not observed at significant frequency in large population cohorts (gnomAD); In silico analysis supports that this missense variant has a deleterious effect on protein structure/function; Has not been previously published as pathogenic or benign to our knowledge